The following is an entry in ClinVar:

ClinVar aggregate classification (germline): Uncertain significance (1 of 4 stars; one submission).

Conditions:
Hereditary cancer-predisposing syndrome. Also called: Neoplastic Syndromes, Hereditary; Tumor predisposition; Hereditary neoplastic syndrome; Hereditary Cancer Syndrome. Identifiers: Orphanet 140162, MedGen C0027672, MeSH D009386, MONDO:0015356.

Submission:

Ambry Genetics
Classification: Uncertain significance for Hereditary cancer-predisposing syndrome. Last evaluated: 2026-07-15. Review status: criteria provided, single submitter. Criteria: Ambry Variant Classification Scheme 2023. Collection method: clinical testing. Allele origin: germline.
Comment: The p.E526V variant (also known as c.1577A>T), located in coding exon 10 of the RAD50 gene, results from an A to T substitution at nucleotide position 1577. The glutamic acid at codon 526 is replaced by valine, an amino acid with dissimilar properties. This amino acid position is conserved. In addition, the in silico prediction for this alteration is inconclusive. Based on the available evidence, the clinical significance of this variant remains unclear.

NM_005732.4(RAD50):c.1577A>T (p.Glu526Val)

Gene: RAD50 (RAD50 double strand break repair protein; plus strand). Cytogenetic location: 5q31.1.
Variant type: single nucleotide variant.
Coding change: c.1577A>T on transcript NM_005732.4 (MANE Select); coding-DNA position 1577, A replaced by T.
Protein change: p.Glu526Val; replaces glutamic acid 526 with valine.
Molecular consequence: missense variant.
Genome position (GRCh38, 1-based): chr5:132,591,348, A>T. VCF-style: chr5-132591348-A-T. GRCh37 (hg19) VCF-style: chr5-131927040-A-T.
Other names: short protein forms E526V.
Identifiers: ClinVar variation 5027718 (VCV005027718.1).